The following is an entry in ClinVar:

ClinVar aggregate classification (germline): Uncertain significance. Review status: criteria provided, multiple submitters, no conflicts (2 of 4 stars). 2 submissions from 2 submitters: Uncertain significance (2). Last evaluated 2025-01-25.

Conditions:
Neutropenia, severe congenital, 2, autosomal dominant. Identifiers: Orphanet 486, MedGen C2751288, MONDO:0013139, OMIM 613107.

Allele frequency attached by ClinVar (database versions not stated): gnomAD exomes below 0.00001; gnomAD 0.00001; 1000 Genomes Project 30x 0.00031.
gnomAD v4.1: 6 of 1,613,706 alleles (0.00037%); highest among the groups gnomAD compares: Non-Finnish European, 0.00051%; no homozygotes.

Submissions (2):

Ambry Genetics
Classification: Uncertain significance. Last evaluated: 2025-01-25. Review status: criteria provided, single submitter. Criteria: Ambry Variant Classification Scheme 2023. Collection method: clinical testing. Allele origin: germline.
Comment: The p.A70S variant (also known as c.208G>T), located in coding exon 2 of the GFI1 gene, results from a G to T substitution at nucleotide position 208. The alanine at codon 70 is replaced by serine, an amino acid with similar properties. This amino acid position is conserved. In addition, this alteration is predicted to be tolerated by in silico analysis. Based on the available evidence, the clinical significance of this variant remains unclear.

Labcorp Genetics (formerly Invitae), Labcorp
Classification: Uncertain significance for Neutropenia, severe congenital, 2, autosomal dominant. Last evaluated: 2023-10-31. Review status: criteria provided, single submitter. Criteria: Invitae Variant Classification Sherloc (09022015). Collection method: clinical testing. Allele origin: germline.
Comment: This sequence change replaces alanine, which is neutral and non-polar, with serine, which is neutral and polar, at codon 70 of the GFI1 protein (p.Ala70Ser). This variant is present in population databases (no rsID available, gnomAD 0.0009%). This variant has not been reported in the literature in individuals affected with GFI1-related conditions. ClinVar contains an entry for this variant (Variation ID: 1487323). Advanced modeling of protein sequence and biophysical properties (such as structural, functional, and spatial information, amino acid conservation, physicochemical variation, residue mobility, and thermodynamic stability) performed at Invitae indicates that this missense variant is not expected to disrupt GFI1 protein function with a negative predictive value of 80%. In summary, the available evidence is currently insufficient to determine the role of this variant in disease. Therefore, it has been classified as a Variant of Uncertain Significance.

NM_005263.5(GFI1):c.208G>T (p.Ala70Ser)

Gene: GFI1 (growth factor independent 1 transcriptional repressor; minus strand). Cytogenetic location: 1p22.1.
Variant type: single nucleotide variant.
Coding change: c.208G>T on transcript NM_005263.5 (MANE Select); coding-DNA position 208, G replaced by T.
Protein change: p.Ala70Ser; replaces alanine 70 with serine.
Molecular consequence: missense variant.
Genome position (GRCh38, 1-based): chr1:92,482,954, C>A on the plus strand (G>T on the coding strand, the complement: GFI1 is on the minus strand). VCF-style: chr1-92482954-C-A. GRCh37 (hg19) VCF-style: chr1-92948511-C-A.
Other names: c.208G>T (NM_005263.3); c.208G>T, p.Ala70Ser (NM_001127215.3, NM_001127216.3); short protein forms A70S.
Identifiers: ClinVar variation 1487323 (VCV001487323.7), dbSNP rs1400776565, ClinGen allele CA341150470.